The following is an entry in ClinVar:

NM_213599.3(ANO5):c.2347G>A (p.Val783Ile)

Gene: ANO5 (anoctamin 5; plus strand). Cytogenetic location: 11p14.3.
Variant type: single nucleotide variant.
Coding change: c.2347G>A on transcript NM_213599.3 (MANE Select); coding-DNA position 2347, G replaced by A.
Protein change: p.Val783Ile; replaces valine 783 with isoleucine.
Molecular consequence: missense variant.
Genome position (GRCh38, 1-based): chr11:22,274,680, G>A. VCF-style: chr11-22274680-G-A. GRCh37 (hg19) VCF-style: chr11-22296226-G-A.
Other names: c.2344G>A, p.Val782Ile (NM_001142649.2); short protein forms V782I, V783I.
Identifiers: ClinVar variation 864460 (VCV000864460.11), dbSNP rs756648592, ClinGen allele CA5923527.

ClinVar aggregate classification (germline): Uncertain significance. Review status: criteria provided, multiple submitters, no conflicts (2 of 4 stars). 2 submissions from 2 submitters: Uncertain significance (2). Last evaluated 2025-07-06.

Conditions:
Gnathodiaphyseal dysplasia (GDD). Also called: GNATHODIAPHYSEAL SCLEROSIS; OSTEOGENESIS IMPERFECTA WITH UNUSUAL SKELETAL LESIONS. Identifiers: Orphanet 53697, MedGen C1833736, MONDO:0008151, OMIM 166260.
Autosomal recessive limb-girdle muscular dystrophy type 2L (LGMDR12). Also called: MUSCULAR DYSTROPHY, LIMB-GIRDLE, AUTOSOMAL RECESSIVE 12; Limb-Girdle Muscular Dystrophy R12 Anoctamin-5-Related (LGMD-R12); Limb-girdle muscular dystrophy, type 2L. Identifiers: Orphanet 206549, MedGen C1969785, MONDO:0012652, OMIM 611307.
Inborn genetic diseases. Identifiers: MedGen C0950123, MeSH D030342.

Allele frequency attached by ClinVar (database versions not stated): gnomAD exomes 0.00001; ExAC 0.00002.
gnomAD v4.1: 12 of 1,613,588 alleles (0.00074%); highest among the groups gnomAD compares: South Asian, 0.012%; no homozygotes.

Submissions (2):

Labcorp Genetics (formerly Invitae), Labcorp
Classification: Uncertain significance for Autosomal recessive limb-girdle muscular dystrophy type 2L; Gnathodiaphyseal dysplasia. Last evaluated: 2025-07-06. Review status: criteria provided, single submitter. Criteria: Invitae Variant Classification Sherloc (09022015). Collection method: clinical testing. Allele origin: germline.
Comment: This sequence change replaces valine, which is neutral and non-polar, with isoleucine, which is neutral and non-polar, at codon 783 of the ANO5 protein (p.Val783Ile). This variant is present in population databases (rs756648592, gnomAD 0.006%). This variant has not been reported in the literature in individuals affected with ANO5-related conditions. ClinVar contains an entry for this variant (Variation ID: 864460). Invitae Evidence Modeling of protein sequence and biophysical properties (such as structural, functional, and spatial information, amino acid conservation, physicochemical variation, residue mobility, and thermodynamic stability) indicates that this missense variant is not expected to disrupt ANO5 protein function with a negative predictive value of 80%. In summary, the available evidence is currently insufficient to determine the role of this variant in disease. Therefore, it has been classified as a Variant of Uncertain Significance.

Ambry Genetics
Classification: Uncertain significance for Inborn genetic diseases. Last evaluated: 2025-06-17. Review status: criteria provided, single submitter. Criteria: Ambry Variant Classification Scheme 2023. Collection method: clinical testing. Allele origin: germline.